The following is an entry in ClinVar:

NM_003072.5(SMARCA4):c.2598C>G (p.Asp866Glu)

Gene: SMARCA4 (SWI/SNF related BAF chromatin remodeling complex subunit ATPase 4; plus strand). Cytogenetic location: 19p13.2.
Variant type: single nucleotide variant.
Coding change: c.2598C>G on transcript NM_003072.5 (MANE Select); coding-DNA position 2598, C replaced by G.
Protein change: p.Asp866Glu; replaces aspartic acid 866 with glutamic acid.
Molecular consequence: missense variant. On other transcripts: non-coding transcript variant (1).
Genome position (GRCh38, 1-based): chr19:11,019,683, C>G. VCF-style: chr19-11019683-C-G. GRCh37 (hg19) VCF-style: chr19-11130359-C-G.
Other names: c.2598C>G, p.Asp866Glu (NM_001128844.3, NM_001128845.2, NM_001128846.2 and 6 more transcripts); short protein forms D866E.
Identifiers: ClinVar variation 4802568 (VCV004802568.1).

ClinVar aggregate classification (germline): Uncertain significance (1 of 4 stars; one submission).

Conditions:
Rhabdoid tumor predisposition syndrome 2 (RTPS2). Identifiers: Orphanet 231108, Orphanet 69077, MedGen C2750074, MONDO:0013224, OMIM 613325.

Submission:

Labcorp Genetics (formerly Invitae), Labcorp
Classification: Uncertain significance for Rhabdoid tumor predisposition syndrome 2. Last evaluated: 2025-11-01. Review status: criteria provided, single submitter. Criteria: Invitae Variant Classification Sherloc (09022015). Collection method: clinical testing. Allele origin: germline.
Comment: This sequence change replaces aspartic acid, which is acidic and polar, with glutamic acid, which is acidic and polar, at codon 866 of the SMARCA4 protein (p.Asp866Glu). This variant is not present in population databases (gnomAD no frequency). This variant has not been reported in the literature in individuals affected with SMARCA4-related conditions. Invitae Evidence Modeling of protein sequence and biophysical properties (such as structural, functional, and spatial information, amino acid conservation, physicochemical variation, residue mobility, and thermodynamic stability) has been performed for this missense variant. However, the output from this modeling did not meet the statistical confidence thresholds required to predict the impact of this variant on SMARCA4 protein function. In summary, the available evidence is currently insufficient to determine the role of this variant in disease. Therefore, it has been classified as a Variant of Uncertain Significance.